The following is an entry in ClinVar:

ClinVar aggregate classification (germline): Uncertain significance (1 of 4 stars; one submission).

Allele frequency attached by ClinVar (database versions not stated): gnomAD exomes below 0.00001.
gnomAD v4.1: 3 of 1,604,550 alleles (0.00019%); highest among the groups gnomAD compares: Non-Finnish European, 0.00025%; no homozygotes.

Submission:

Labcorp Genetics (formerly Invitae), Labcorp
Classification: Uncertain significance. Last evaluated: 2022-06-28. Review status: criteria provided, single submitter. Criteria: Invitae Variant Classification Sherloc (09022015). Collection method: clinical testing. Allele origin: germline.
Comment: Algorithms developed to predict the effect of missense changes on protein structure and function output the following: SIFT: "Tolerated"; PolyPhen-2: "Benign"; Align-GVGD: "Class C0". The glutamic acid amino acid residue is found in multiple mammalian species, which suggests that this missense change does not adversely affect protein function. In summary, the available evidence is currently insufficient to determine the role of this variant in disease. Therefore, it has been classified as a Variant of Uncertain Significance. This sequence change replaces glycine, which is neutral and non-polar, with glutamic acid, which is acidic and polar, at codon 644 of the PROM1 protein (p.Gly644Glu). This variant is not present in population databases (gnomAD no frequency). This variant has not been reported in the literature in individuals affected with PROM1-related conditions.

NM_006017.3(PROM1):c.1931G>A (p.Gly644Glu)

Gene: PROM1 (prominin 1; minus strand). Cytogenetic location: 4p15.32.
Variant type: single nucleotide variant.
Coding change: c.1931G>A on transcript NM_006017.3 (MANE Select); coding-DNA position 1931, G replaced by A.
Protein change: p.Gly644Glu; replaces glycine 644 with glutamic acid.
Molecular consequence: missense variant.
Genome position (GRCh38, 1-based): chr4:15,991,274, C>T on the plus strand (G>A on the coding strand, the complement: PROM1 is on the minus strand). VCF-style: chr4-15991274-C-T. GRCh37 (hg19) VCF-style: chr4-15992897-C-T.
Other names: c.1904G>A, p.Gly635Glu (NM_001145847.2, NM_001145848.2, NM_001145851.2 and 4 more transcripts); c.1931G>A, p.Gly644Glu (NM_001145849.2, NM_001145850.2); short protein forms G644E, G635E.
Identifiers: ClinVar variation 2011945 (VCV002011945.4), dbSNP rs2475229976, ClinGen allele CA356430490.
Genomic context (GRCh38, chr4:15,991,274, plus strand): 5'-GAACTCACCAAACTGTTTGCTTTTGCTTCTAGATCATATGCAAATGATAAAAGATTCACT[C>T]CTGCGGGGGATTTACCAGTCTACAATAGAAGTGAAAAAAATTGTCTTATGGATATGGGAT-3'
Protein context (NP_006008.1, residues 634-654): YLAQTGKSPA[Gly644Glu]VNLLSFAYDL